The following is an entry in ClinVar:

NM_000038.6(APC):c.5884T>G (p.Cys1962Gly)

Gene: APC (APC regulator of Wnt signaling pathway; plus strand). Cytogenetic location: 5q22.2.
Variant type: single nucleotide variant.
Coding change: c.5884T>G on transcript NM_000038.6 (MANE Select); coding-DNA position 5884, T replaced by G.
Protein change: p.Cys1962Gly; replaces cysteine 1962 with glycine.
Molecular consequence: missense variant.
Genome position (GRCh38, 1-based): chr5:112,841,478, T>G. VCF-style: chr5-112841478-T-G. GRCh37 (hg19) VCF-style: chr5-112177175-T-G.
Other names: c.5884T>G, p.Cys1962Gly (NM_001127510.3, NM_001354895.2); c.5830T>G, p.Cys1944Gly (NM_001127511.3); c.5938T>G, p.Cys1980Gly (NM_001354896.2); c.5914T>G, p.Cys1972Gly (NM_001354897.2); c.5809T>G, p.Cys1937Gly (NM_001354898.2); c.5800T>G, p.Cys1934Gly (NM_001354899.2); c.5761T>G, p.Cys1921Gly (NM_001354900.2); c.5707T>G, p.Cys1903Gly (NM_001354901.2); and 5 more; short protein forms C1962G, C1944G, C1802G, C1903G, C1921G, C1871G, C1980G, C1836G.
Identifiers: ClinVar variation 628353 (VCV000628353.5), dbSNP rs1561603419, ClinGen allele CA16034205.
Genomic context (GRCh38, chr5:112,841,478, plus strand): 5'-GACAGAGGGGCAGCAACTGATGAAAAGTTACAGAATTTTGCTATTGAAAATACTCCGGTT[T>G]GCTTTTCTCATAATTCCTCTCTGAGTTCTCTCAGTGACATTGACCAAGAAAACAACAATA-3'
Protein context (NP_000029.2, residues 1952-1972): QNFAIENTPV[Cys1962Gly]FSHNSSLSSL

ClinVar aggregate classification (germline): Uncertain significance (1 of 4 stars; one submission).

Conditions:
Hereditary cancer-predisposing syndrome. Also called: Neoplastic Syndromes, Hereditary; Tumor predisposition; Hereditary neoplastic syndrome; Hereditary Cancer Syndrome. Identifiers: Orphanet 140162, MedGen C0027672, MeSH D009386, MONDO:0015356.

gnomAD v4.1: 1 of 1,613,666 alleles (0.000062%); no homozygotes.

Submission:

Color Diagnostics, LLC DBA Color Health
Classification: Uncertain significance for Hereditary cancer-predisposing syndrome. Last evaluated: 2023-12-04. Review status: criteria provided, single submitter. Criteria: ACMG Guidelines, 2015. Collection method: clinical testing. Allele origin: germline.
Comment: This missense variant replaces cysteine with glycine at codon 1962 of the APC protein. Computational prediction suggests that this variant may have deleterious impact on protein structure and function (internally defined REVEL score threshold >= 0.7, PMID: 27666373). To our knowledge, functional studies have not been reported for this variant. This variant has not been reported in individuals affected with APC-related disorders in the literature. This variant has not been identified in the general population by the Genome Aggregation Database (gnomAD). The available evidence is insufficient to determine the role of this variant in disease conclusively. Therefore, this variant is classified as a Variant of Uncertain Significance.